The following is an entry in ClinVar:

NM_004380.3(CREBBP):c.546C>G (p.Asn182Lys)

Gene: CREBBP (CREB binding lysine acetyltransferase; minus strand). Cytogenetic location: 16p13.3.
Variant type: single nucleotide variant.
Coding change: c.546C>G on transcript NM_004380.3 (MANE Select); coding-DNA position 546, C replaced by G.
Protein change: p.Asn182Lys; replaces asparagine 182 with lysine.
Molecular consequence: missense variant.
Genome position (GRCh38, 1-based): chr16:3,850,549, G>C on the plus strand (C>G on the coding strand, the complement: CREBBP is on the minus strand). VCF-style: chr16-3850549-G-C. GRCh37 (hg19) VCF-style: chr16-3900550-G-C.
Other names: c.546C>G, p.Asn182Lys (NM_001079846.1); short protein forms N182K.
Identifiers: ClinVar variation 4802899 (VCV004802899.1).

ClinVar aggregate classification (germline): Uncertain significance (1 of 4 stars; one submission).

Conditions:
Rubinstein-Taybi syndrome (RSTS). Identifiers: Orphanet 783, MedGen C0035934, MONDO:0019188.

Submission:

Labcorp Genetics (formerly Invitae), Labcorp
Classification: Uncertain significance for Rubinstein-Taybi syndrome. Last evaluated: 2025-07-29. Review status: criteria provided, single submitter. Criteria: Invitae Variant Classification Sherloc (09022015). Collection method: clinical testing. Allele origin: germline.
Comment: This sequence change replaces asparagine, which is neutral and polar, with lysine, which is basic and polar, at codon 182 of the CREBBP protein (p.Asn182Lys). This variant is not present in population databases (gnomAD no frequency). This variant has not been reported in the literature in individuals affected with CREBBP-related conditions. Invitae Evidence Modeling of protein sequence and biophysical properties (such as structural, functional, and spatial information, amino acid conservation, physicochemical variation, residue mobility, and thermodynamic stability) indicates that this missense variant is not expected to disrupt CREBBP protein function with a negative predictive value of 95%. In summary, the available evidence is currently insufficient to determine the role of this variant in disease. Therefore, it has been classified as a Variant of Uncertain Significance.